The following is an entry in ClinVar:

ClinVar aggregate classification (germline): Uncertain significance (1 of 4 stars; one submission).

Conditions:
Autosomal recessive hypohidrotic ectodermal dysplasia syndrome. Also called: Autosomal recessive hypohidrotic ectodermal dysplasia. Identifiers: Orphanet 248, MedGen C0406702, MONDO:0016619.
Ectodermal dysplasia 10A, hypohidrotic/hair/nail type, autosomal dominant (ECTD10A). Also called: Ectodermal Dysplasia 3, Anhidrotic. Identifiers: Orphanet 1810, Orphanet 238468, MedGen C3888065, MONDO:0007509, OMIM 129490.

Submission:

Labcorp Genetics (formerly Invitae), Labcorp
Classification: Uncertain significance for Ectodermal dysplasia 10A, hypohidrotic/hair/nail type, autosomal dominant; Autosomal recessive hypohidrotic ectodermal dysplasia syndrome. Last evaluated: 2019-02-24. Review status: criteria provided, single submitter. Criteria: Invitae Variant Classification Sherloc (09022015). Collection method: clinical testing. Allele origin: germline.
Comment: In summary, the available evidence is currently insufficient to determine the role of this variant in disease. Therefore, it has been classified as a Variant of Uncertain Significance. Algorithms developed to predict the effect of sequence changes on RNA splicing suggest that this variant may create or strengthen a splice site, but this prediction has not been confirmed by published transcriptional studies. Algorithms developed to predict the effect of missense changes on protein structure and function are either unavailable or do not agree on the potential impact of this missense change (SIFT: "Deleterious"; PolyPhen-2: "Benign"; Align-GVGD: "Class C0"). This variant has not been reported in the literature in individuals with EDAR-related conditions. This variant is not present in population databases (ExAC no frequency). This sequence change replaces methionine with arginine at codon 192 of the EDAR protein (p.Met192Arg). The methionine residue is highly conserved and there is a moderate physicochemical difference between methionine and arginine.

NM_022336.4(EDAR):c.575T>G (p.Met192Arg)

Genes: RANBP2 (RAN binding protein 2; plus strand), EDAR (ectodysplasin A receptor; minus strand). Cytogenetic location: 2q13.
Variant type: single nucleotide variant.
Coding change: c.575T>G on transcript NM_022336.4 (MANE Select); coding-DNA position 575, T replaced by G.
Protein change: p.Met192Arg; replaces methionine 192 with arginine.
Molecular consequence: missense variant.
Genome position (GRCh38, 1-based): chr2:108,911,027, A>C on the plus strand (T>G on the coding strand, the complement: EDAR is on the minus strand). VCF-style: chr2-108911027-A-C. GRCh37 (hg19) VCF-style: chr2-109527483-A-C.
Other names: short protein forms M192R.
Identifiers: ClinVar variation 840707 (VCV000840707.11), dbSNP rs1696920527, ClinGen allele CA348053779.